The following is an entry in ClinVar:

ClinVar aggregate classification (germline): Uncertain significance (1 of 4 stars; one submission).

Allele frequency attached by ClinVar (database versions not stated): ExAC 0.00001; gnomAD exomes 0.00001; ESP Exome Variant Server 0.00015.
gnomAD v4.1: 15 of 1,612,938 alleles (0.00093%); highest among the groups gnomAD compares: African/African-American, 0.004%; no homozygotes.

Submission:

Labcorp Genetics (formerly Invitae), Labcorp
Classification: Uncertain significance. Last evaluated: 2025-02-19. Review status: criteria provided, single submitter. Criteria: Invitae Variant Classification Sherloc (09022015). Collection method: clinical testing. Allele origin: germline.
Comment: This sequence change replaces proline, which is neutral and non-polar, with alanine, which is neutral and non-polar, at codon 1298 of the TUBGCP6 protein (p.Pro1298Ala). This variant is present in population databases (rs142063347, gnomAD 0.006%). This variant has not been reported in the literature in individuals affected with TUBGCP6-related conditions. ClinVar contains an entry for this variant (Variation ID: 1436547). An algorithm developed to predict the effect of missense changes on protein structure and function outputs the following: PolyPhen-2: "Benign". The alanine amino acid residue is found in multiple mammalian species, which suggests that this missense change does not adversely affect protein function. In summary, the available evidence is currently insufficient to determine the role of this variant in disease. Therefore, it has been classified as a Variant of Uncertain Significance.

NM_020461.4(TUBGCP6):c.3892C>G (p.Pro1298Ala)

Gene: TUBGCP6 (tubulin gamma complex component 6; minus strand). Cytogenetic location: 22q13.33.
Variant type: single nucleotide variant.
Coding change: c.3892C>G on transcript NM_020461.4 (MANE Select); coding-DNA position 3892, C replaced by G.
Protein change: p.Pro1298Ala; replaces proline 1298 with alanine.
Molecular consequence: missense variant.
Genome position (GRCh38, 1-based): chr22:50,220,467, G>C on the plus strand (C>G on the coding strand, the complement: TUBGCP6 is on the minus strand). VCF-style: chr22-50220467-G-C. GRCh37 (hg19) VCF-style: chr22-50658896-G-C.
Other names: short protein forms P1298A.
Identifiers: ClinVar variation 1436547 (VCV001436547.6), dbSNP rs142063347, ClinGen allele CA10307795.
Genomic context (GRCh38, chr22:50,220,467, plus strand): 5'-CACAGTCCAGCACAGTGCTCTGTGCTCCCAGGCTGAGCGCTGACTGGGACGTGTGGCCAG[G>C]GGGGCTCTGTTGGGGCCTGGGTGTGTTGGGCTCAGCTTCTGGTGAGAGAGCCCCCAGCAC-3'
Protein context (NP_065194.3, residues 1288-1308): PNTPRPQQSP[Pro1298Ala]GHTSQSALSL